The following is an entry in ClinVar:

ClinVar aggregate classification (germline): Uncertain significance (1 of 4 stars; one submission).

Conditions:
Tuberous sclerosis 2 (TSC2). Identifiers: Orphanet 805, MedGen C1860707, MONDO:0013199, OMIM 613254.

Allele frequency attached by ClinVar (database versions not stated): TOPMed below 0.00001.

Submission:

Labcorp Genetics (formerly Invitae), Labcorp
Classification: Uncertain significance for Tuberous sclerosis 2. Last evaluated: 2021-09-16. Review status: criteria provided, single submitter. Criteria: Invitae Variant Classification Sherloc (09022015). Collection method: clinical testing. Allele origin: germline.
Comment: This sequence change replaces leucine with phenylalanine at codon 1317 of the TSC2 protein (p.Leu1317Phe). The leucine residue is moderately conserved and there is a small physicochemical difference between leucine and phenylalanine. This variant is not present in population databases (ExAC no frequency). This variant has not been reported in the literature in individuals affected with TSC2-related conditions. Advanced modeling of protein sequence and biophysical properties (such as structural, functional, and spatial information, amino acid conservation, physicochemical variation, residue mobility, and thermodynamic stability) performed at Invitae indicates that this missense variant is not expected to disrupt TSC2 protein function. In summary, the available evidence is currently insufficient to determine the role of this variant in disease. Therefore, it has been classified as a Variant of Uncertain Significance.

NM_000548.5(TSC2):c.3951G>C (p.Leu1317Phe)

Gene: TSC2 (TSC complex subunit 2; plus strand). Cytogenetic location: 16p13.3.
Variant type: single nucleotide variant.
Coding change: c.3951G>C on transcript NM_000548.5 (MANE Select); coding-DNA position 3951, G replaced by C.
Protein change: p.Leu1317Phe; replaces leucine 1317 with phenylalanine.
Molecular consequence: missense variant.
Genome position (GRCh38, 1-based): chr16:2,083,762, G>C. VCF-style: chr16-2083762-G-C. GRCh37 (hg19) VCF-style: chr16-2133763-G-C.
Other names: c.3750G>C, p.Leu1250Phe (NM_001077183.3); c.3882G>C, p.Leu1294Phe (NM_001114382.3); c.3642G>C, p.Leu1214Phe (NM_001318827.2); c.3606G>C, p.Leu1202Phe (NM_001318829.2); c.3219G>C, p.Leu1073Phe (NM_001318831.2); c.3783G>C, p.Leu1261Phe (NM_001318832.2); c.3753G>C, p.Leu1251Phe (NM_001363528.2); c.3819G>C, p.Leu1273Phe (NM_001370404.1); and 1 more; short protein forms L1202F, L1261F, L1317F, L1214F, L1250F, L1274F, L1073F, L1251F.
Identifiers: ClinVar variation 1381600 (VCV001381600.6), dbSNP rs2090425580, ClinGen allele CA394297412.